The following is an entry in ClinVar:

NM_201253.3(CRB1):c.998G>A (p.Gly333Asp)

Gene: CRB1 (crumbs cell polarity complex component 1; plus strand). Cytogenetic location: 1q31.3.
Variant type: single nucleotide variant.
Coding change: c.998G>A on transcript NM_201253.3 (MANE Select); coding-DNA position 998, G replaced by A.
Protein change: p.Gly333Asp; replaces glycine 333 with aspartic acid.
Molecular consequence: missense variant. On other transcripts: non-coding transcript variant (2).
Genome position (GRCh38, 1-based): chr1:197,356,840, G>A. VCF-style: chr1-197356840-G-A. GRCh37 (hg19) VCF-style: chr1-197325970-G-A.
Other names: c.662G>A, p.Gly221Asp (NM_001193640.2); c.791G>A, p.Gly264Asp (NM_001257965.2); c.998G>A, p.Gly333Asp (NM_001257966.2); short protein forms G333D, G221D, G264D.
Identifiers: ClinVar variation 156384 (VCV000156384.4), dbSNP rs587783015, ClinGen allele CA170860.
Genomic context (GRCh38, chr1:197,356,840, plus strand): 5'-TATAATTCAACACCTTTGACTTAGCAGCTTCTCTGAATTTTCATCATGCAGGATACACAG[G>A]TGCCCAGTGTGAGATCGACCTCAATGAATGCAATAGTAACCCCTGCCAGTCCAATGGGGA-3'
Protein context (NP_957705.1, residues 323-343): YTCHCWPGYT[Gly333Asp]AQCEIDLNEC

ClinVar aggregate classification (germline): Pathogenic. Review status: criteria provided, single submitter (1 of 4 stars). 2 submissions from 2 submitters: Pathogenic (1). 1 of the submissions does not count toward it. Last evaluated 2023-08-10.

Conditions:
Retinitis pigmentosa 12 (RP12). Also called: RP WITH OR WITHOUT PRESERVED PARAARTERIOLE RETINAL PIGMENT EPITHELIUM; RETINITIS PIGMENTOSA WITH OR WITHOUT PARAARTERIOLAR PRESERVATION OF RETINAL PIGMENT EPITHELIUM; RP WITH OR WITHOUT PPRPE. Identifiers: Orphanet 791, MedGen C1838647, MONDO:0010818, OMIM 600105.
Leber congenital amaurosis 8 (LCA8). Identifiers: Orphanet 65, MedGen C3151202, MONDO:0013453, OMIM 613835.

Allele frequency attached by ClinVar (database versions not stated): TOPMed below 0.00001.

Submissions (2):

Labcorp Genetics (formerly Invitae), Labcorp
Classification: Pathogenic for Leber congenital amaurosis 8; Retinitis pigmentosa 12. Last evaluated: 2023-08-10. Review status: criteria provided, single submitter. Criteria: Invitae Variant Classification Sherloc (09022015). Collection method: clinical testing. Allele origin: germline.
Comment: For these reasons, this variant has been classified as Pathogenic. This variant disrupts the p.Gly333 amino acid residue in CRB1. Other variant(s) that disrupt this residue have been determined to be pathogenic (PMID: 21602930; Invitae). This suggests that this residue is clinically significant, and that variants that disrupt this residue are likely to be disease-causing. Advanced modeling of protein sequence and biophysical properties (such as structural, functional, and spatial information, amino acid conservation, physicochemical variation, residue mobility, and thermodynamic stability) performed at Invitae indicates that this missense variant is expected to disrupt CRB1 protein function. ClinVar contains an entry for this variant (Variation ID: 156384). This missense change has been observed in individuals with Leber congenital amaurosis and/or retinitis pigmentosa (PMID: 18682808, 33090715). This variant is not present in population databases (gnomAD no frequency). This sequence change replaces glycine, which is neutral and non-polar, with aspartic acid, which is acidic and polar, at codon 333 of the CRB1 protein (p.Gly333Asp).

Molecular Diagnostics Laboratory, Seoul National University Hospital
Classification: Pathogenic for Leber congenital amaurosis 8. Last evaluated: 2014-09-18. Review status: no assertion criteria provided. Collection method: clinical testing. Allele origin: unknown. Affected: yes. Not counted in ClinVar's aggregate classification.

Literature cited by the submitters: PubMed 21602930 (cited by Labcorp Genetics (formerly Invitae), Labcorp); PubMed 18682808 (cited by Labcorp Genetics (formerly Invitae), Labcorp); PubMed 33090715 (cited by Labcorp Genetics (formerly Invitae), Labcorp).